The following is an entry in ClinVar:

ClinVar aggregate classification (germline): Uncertain significance (1 of 4 stars; one submission).

Submission:

Women's Health and Genetics/Laboratory Corporation of America, LabCorp
Classification: Uncertain significance. Last evaluated: 2025-09-22. Review status: criteria provided, single submitter. Criteria: LabCorp Variant Classification Summary - May 2015. Collection method: clinical testing. Allele origin: germline.
Comment: Variant summary: The variant involves the duplication of exons 1-10 in the OTC gene. A presumed nomenclature of c.(?_-94)_(*365_?)dup has been designated for the purposes of this classification. This duplication includes the entire coding sequence of the gene. As exact breakpoints are unknown, it may extend beyond the annotated region of the gene, to include other flanking genes. The variant was absent in 15814 control chromosomes. The available data on variant occurrences in the general population are insufficient to allow any conclusion about variant significance. To our knowledge, no occurrence of similar CNVs in individuals affected with OTC-related conditions and no experimental evidence demonstrating its impact on protein function have been reported. No submitters have cited clinical-significance assessments for this variant to ClinVar, however a larger duplication involving OTC was reported (ClinVar: 2423236). Based on the evidence outlined above, the variant was classified as uncertain significance.

NC_000023.10:g.(?_38211856)_(38280700_?)dup

Gene: OTC (ornithine transcarbamylase; plus strand). Cytogenetic location: Xp11.4.
Variant type: Duplication.
Identifiers: ClinVar variation 4536084 (VCV004536084.1).